The following is an entry in ClinVar:

NM_032383.5(HPS3):c.2899A>G (p.Ile967Val)

Genes: CP (ceruloplasmin; minus strand), HPS3 (HPS3 biogenesis of lysosomal organelles complex 2 subunit 1; plus strand). Cytogenetic location: 3q24.
Variant type: single nucleotide variant.
Coding change: c.2899A>G on transcript NM_032383.5 (MANE Select); coding-DNA position 2899, A replaced by G.
Protein change: p.Ile967Val; replaces isoleucine 967 with valine.
Molecular consequence: missense variant.
Genome position (GRCh38, 1-based): chr3:149,172,106, A>G. VCF-style: chr3-149172106-A-G. GRCh37 (hg19) VCF-style: chr3-148889893-A-G.
Other names: c.2404A>G, p.Ile802Val (NM_001308258.2); c.2899A>G (NM_032383.3); short protein forms I802V, I967V.
Identifiers: ClinVar variation 2201957 (VCV002201957.2), dbSNP rs200136665, ClinGen allele CA2660505.

ClinVar aggregate classification (germline): Conflicting classifications of pathogenicity. Review status: criteria provided, conflicting classifications (1 of 4 stars). 2 submissions from 2 submitters: Uncertain significance (1); Likely benign (1). Last evaluated 2022-06-27.

Conditions:
Inborn genetic diseases. Identifiers: MedGen C0950123, MeSH D030342.

Allele frequency attached by ClinVar (database versions not stated): ExAC 0.00001; gnomAD exomes 0.00002; TOPMed 0.00004; gnomAD 0.00005.
gnomAD v4.1: 38 of 1,613,138 alleles (0.0024%); highest among the groups gnomAD compares: African/African-American, 0.02%; no homozygotes.

Submissions (2):

Labcorp Genetics (formerly Invitae), Labcorp
Classification: Uncertain significance. Last evaluated: 2022-06-27. Review status: criteria provided, single submitter. Criteria: Invitae Variant Classification Sherloc (09022015). Collection method: clinical testing. Allele origin: germline.
Comment: This sequence change replaces isoleucine, which is neutral and non-polar, with valine, which is neutral and non-polar, at codon 967 of the HPS3 protein (p.Ile967Val). This variant is present in population databases (rs200136665, gnomAD 0.008%). This variant has not been reported in the literature in individuals affected with HPS3-related conditions. Algorithms developed to predict the effect of missense changes on protein structure and function output the following: SIFT: "Tolerated"; PolyPhen-2: "Benign"; Align-GVGD: "Class C0". The valine amino acid residue is found in multiple mammalian species, which suggests that this missense change does not adversely affect protein function. In summary, the available evidence is currently insufficient to determine the role of this variant in disease. Therefore, it has been classified as a Variant of Uncertain Significance.

Ambry Genetics
Classification: Likely benign for Inborn genetic diseases. Last evaluated: 2022-06-17. Review status: criteria provided, single submitter. Criteria: Ambry Variant Classification Scheme 2023. Collection method: clinical testing. Allele origin: germline.